The following is an entry in ClinVar:

ClinVar aggregate classification (germline): Uncertain significance (1 of 4 stars; one submission).

gnomAD v4.1: 7 of 1,614,060 alleles (0.00043%); highest among the groups gnomAD compares: Non-Finnish European, 0.00059%; no homozygotes.

Submission:

Ambry Genetics
Classification: Uncertain significance. Last evaluated: 2025-01-17. Review status: criteria provided, single submitter. Criteria: Ambry Variant Classification Scheme 2023. Collection method: clinical testing. Allele origin: germline.
Comment: The p.N305H variant (also known as c.913A>C), located in coding exon 8 of the RAD51B gene, results from an A to C substitution at nucleotide position 913. The asparagine at codon 305 is replaced by histidine, an amino acid with similar properties. This amino acid position is conserved. In addition, this alteration is predicted to be tolerated by in silico analysis. Based on the available evidence, the clinical significance of this variant remains unclear.

NM_133510.4(RAD51B):c.913A>C (p.Asn305His)

Gene: RAD51B (RAD51 paralog B; plus strand). Cytogenetic location: 14q24.1.
Variant type: single nucleotide variant.
Coding change: c.913A>C on transcript NM_133510.4 (MANE Select); coding-DNA position 913, A replaced by C.
Protein change: p.Asn305His; replaces asparagine 305 with histidine.
Molecular consequence: missense variant.
Genome position (GRCh38, 1-based): chr14:68,411,483, A>C. VCF-style: chr14-68411483-A-C. GRCh37 (hg19) VCF-style: chr14-68878200-A-C.
Other names: c.913A>C, p.Asn305His (NM_001321809.2, NM_001321810.2, NM_001321812.1 and 6 more transcripts); c.799A>C, p.Asn267His (NM_001321815.1); c.556A>C, p.Asn186His (NM_001321817.2); short protein forms N186H, N267H, N305H.
Identifiers: ClinVar variation 3786420 (VCV003786420.1).